The following is an entry in ClinVar:

NM_015978.3(TNNI3K):c.392G>T (p.Gly131Val)

Genes: FPGT-TNNI3K (FPGT-TNNI3K readthrough; plus strand), TNNI3K (TNNI3 interacting kinase; plus strand). Cytogenetic location: 1p31.1.
Variant type: single nucleotide variant.
Coding change: c.392G>T on transcript NM_015978.3 (MANE Select); coding-DNA position 392, G replaced by T.
Protein change: p.Gly131Val; replaces glycine 131 with valine.
Molecular consequence: missense variant.
Genome position (GRCh38, 1-based): chr1:74,271,656, G>T. VCF-style: chr1-74271656-G-T. GRCh37 (hg19) VCF-style: chr1-74737340-G-T.
Other names: c.695G>T, p.Gly232Val (NM_001112808.3, NM_001199327.2); short protein forms G232V, G131V.
Identifiers: ClinVar variation 2107643 (VCV002107643.5), dbSNP rs1656357732, ClinGen allele CA340780757.

ClinVar aggregate classification (germline): Uncertain significance. Review status: criteria provided, multiple submitters, no conflicts (2 of 4 stars). 2 submissions from 2 submitters: Uncertain significance (2). Last evaluated 2023-09-14.

Conditions:
TNNI3K-related disorder. Also called: TNNI3K-related condition.

Allele frequency attached by ClinVar (database versions not stated): TOPMed 0.00001.

Submissions (2):

PreventionGenetics, part of Exact Sciences
Classification: Uncertain significance for TNNI3K-related condition. Last evaluated: 2023-09-14. Review status: criteria provided, single submitter. Criteria: ACMG Guidelines, 2015. Collection method: clinical testing. Allele origin: germline.
Comment: The TNNI3K c.392G>T variant is predicted to result in the amino acid substitution p.Gly131Val. To our knowledge, this variant has not been reported in the literature or in a large population database, indicating this variant is rare. At this time, the clinical significance of this variant is uncertain due to the absence of conclusive functional and genetic evidence.

Labcorp Genetics (formerly Invitae), Labcorp
Classification: Uncertain significance. Last evaluated: 2022-03-08. Review status: criteria provided, single submitter. Criteria: Invitae Variant Classification Sherloc (09022015). Collection method: clinical testing. Allele origin: germline.
Comment: Algorithms developed to predict the effect of missense changes on protein structure and function are either unavailable or do not agree on the potential impact of this missense change (SIFT: "Deleterious"; PolyPhen-2: "Probably Damaging"; Align-GVGD: "Class C0"). In summary, the available evidence is currently insufficient to determine the role of this variant in disease. Therefore, it has been classified as a Variant of Uncertain Significance. This variant has not been reported in the literature in individuals affected with TNNI3K-related conditions. This variant is not present in population databases (gnomAD no frequency). This sequence change replaces glycine, which is neutral and non-polar, with valine, which is neutral and non-polar, at codon 131 of the TNNI3K protein (p.Gly131Val).